The following is an entry in ClinVar:

ClinVar aggregate classification (germline): Likely benign. Review status: criteria provided, multiple submitters, no conflicts (2 of 4 stars). 2 submissions from 2 submitters: Likely benign (2). Last evaluated 2025-12-08.

Allele frequency attached by ClinVar (database versions not stated): ExAC 0.00001; gnomAD exomes 0.00003; TOPMed 0.00004.
gnomAD v4.1: 41 of 1,613,774 alleles (0.0025%); highest among the groups gnomAD compares: Non-Finnish European, 0.0033%; no homozygotes.

Submissions (2):

Labcorp Genetics (formerly Invitae), Labcorp
Classification: Likely benign. Last evaluated: 2025-12-08. Review status: criteria provided, single submitter. Criteria: Invitae Variant Classification Sherloc (09022015). Collection method: clinical testing. Allele origin: germline.

CeGaT Center for Human Genetics Tuebingen
Classification: Likely benign. Last evaluated: 2023-11-01. Review status: criteria provided, single submitter. Criteria: CeGaT Center For Human Genetics Tuebingen Variant Classification Criteria Version 2. Collection method: clinical testing. Allele origin: germline. Affected: yes. Observed: 1 variant allele.
Comment: CEP152: BP4, BP7

NM_001194998.2(CEP152):c.171C>T (p.Ser57=)

Gene: CEP152 (centrosomal protein 152; minus strand). Cytogenetic location: 15q21.1.
Variant type: single nucleotide variant.
Coding change: c.171C>T on transcript NM_001194998.2 (MANE Select); coding-DNA position 171, C replaced by T.
Protein change: p.Ser57=; no amino-acid change (serine 57 retained).
Molecular consequence: synonymous variant.
Genome position (GRCh38, 1-based): chr15:48,797,968, G>A on the plus strand (C>T on the coding strand, the complement: CEP152 is on the minus strand). VCF-style: chr15-48797968-G-A. GRCh37 (hg19) VCF-style: chr15-49090165-G-A.
Other names: c.171C>T, p.Ser57= (NM_014985.4).
Identifiers: ClinVar variation 2672590 (VCV002672590.26), dbSNP rs777608666, ClinGen allele CA7549206.